The following is an entry in ClinVar:

ClinVar aggregate classification (germline): Likely benign (1 of 4 stars; one submission).

Allele frequency attached by ClinVar (database versions not stated): ExAC 0.00001; gnomAD 0.00001; TOPMed 0.00001; gnomAD exomes 0.00002.
gnomAD v4.1: 28 of 1,613,854 alleles (0.0017%); highest among the groups gnomAD compares: Non-Finnish European, 0.0022%; no homozygotes.

Submission:

CeGaT Center for Human Genetics Tuebingen
Classification: Likely benign. Last evaluated: 2024-01-01. Review status: criteria provided, single submitter. Criteria: CeGaT Center For Human Genetics Tuebingen Variant Classification Criteria Version 2. Collection method: clinical testing. Allele origin: germline. Affected: yes. Observed: 1 variant allele.
Comment: GABRA2: BS2

NM_000807.4(GABRA2):c.40C>T (p.Leu14Phe)

Gene: GABRA2 (gamma-aminobutyric acid type A receptor subunit alpha2; minus strand). Cytogenetic location: 4p12.
Variant type: single nucleotide variant.
Coding change: c.40C>T on transcript NM_000807.4 (MANE Select); coding-DNA position 40, C replaced by T.
Protein change: p.Leu14Phe; replaces leucine 14 with phenylalanine.
Molecular consequence: missense variant. On other transcripts: 5 prime UTR variant (4).
Genome position (GRCh38, 1-based): chr4:46,388,667, G>A on the plus strand (C>T on the coding strand, the complement: GABRA2 is on the minus strand). VCF-style: chr4-46388667-G-A. GRCh37 (hg19) VCF-style: chr4-46390684-G-A.
Other names: c.40C>T, p.Leu14Phe (NM_001114175.3, NM_001330690.2, NM_001377144.1 and 8 more transcripts); c.-58C>T (NM_001286827.3, NM_001377152.1, NM_001377153.1 and 1 more transcripts); short protein forms L14F.
Identifiers: ClinVar variation 3025746 (VCV003025746.22), dbSNP rs745536229, ClinGen allele CA2906811.